The following is an entry in ClinVar:

NM_001372044.2(SHANK3):c.1985G>A (p.Arg662Gln)

Genes: SHANK3 (SH3 and multiple ankyrin repeat domains 3; plus strand), LOC126863188 (CDK7 strongly-dependent group 2 enhancer GRCh37_chr22:51142004-51143203; plus strand). Cytogenetic location: 22q13.33.
Variant type: single nucleotide variant.
Coding change: c.1985G>A on transcript NM_001372044.2 (MANE Select); coding-DNA position 1985, G replaced by A.
Protein change: p.Arg662Gln; replaces arginine 662 with glutamine.
Molecular consequence: missense variant.
Genome position (GRCh38, 1-based): chr22:50,704,237, G>A. VCF-style: chr22-50704237-G-A. GRCh37 (hg19) VCF-style: chr22-51142665-G-A.
Other names: c.1760G>A (NM_033517.1); short protein forms R662Q.
Identifiers: ClinVar variation 1223877 (VCV001223877.7), dbSNP rs1430967871, ClinGen allele CA515256171.

ClinVar aggregate classification (germline): Uncertain significance (1 of 4 stars; one submission).

Submission:

GeneDx
Classification: Uncertain significance. Last evaluated: 2025-02-13. Review status: criteria provided, single submitter. Criteria: GeneDx Variant Classification Process June 2021. Collection method: clinical testing. Allele origin: germline. Affected: yes.
Comment: Not observed at significant frequency in large population cohorts (gnomAD); In silico analysis supports that this missense variant has a deleterious effect on protein structure/function; In silico analysis suggests this variant may impact gene splicing. In the absence of RNA/functional studies, the actual effect of this sequence change is unknown.; Has not been previously reported as pathogenic or benign to our knowledge